The following is an entry in ClinVar:

NM_053025.4(MYLK):c.1640G>A (p.Trp547Ter)

Gene: MYLK (myosin light chain kinase; minus strand). Cytogenetic location: 3q21.1.
Variant type: single nucleotide variant.
Coding change: c.1640G>A on transcript NM_053025.4 (MANE Select); coding-DNA position 1640, G replaced by A.
Protein change: p.Trp547Ter; replaces tryptophan 547 with a stop codon.
Molecular consequence: nonsense.
Genome position (GRCh38, 1-based): chr3:123,725,955, C>T on the plus strand (G>A on the coding strand, the complement: MYLK is on the minus strand). VCF-style: chr3-123725955-C-T. GRCh37 (hg19) VCF-style: chr3-123444802-C-T.
Other names: p.W547*:TGG>TAG; c.1112G>A, p.Trp371Ter (NM_001321309.2); c.1433G>A, p.Trp478Ter (NM_053026.4, NM_053028.4); c.1640G>A, p.Trp547Ter (NM_053027.4); short protein forms W547*, W371*, W478*.
Identifiers: ClinVar variation 201122 (VCV000201122.3), dbSNP rs779212460, ClinGen allele CA024823.

ClinVar aggregate classification (germline): Conflicting classifications of pathogenicity. Review status: criteria provided, conflicting classifications (1 of 4 stars). 2 submissions from 2 submitters: Pathogenic (1); Uncertain significance (1). Last evaluated 2026-06-29.

Conditions:
Familial aortopathy. Identifiers: MedGen CN078214.

Allele frequency attached by ClinVar (database versions not stated): gnomAD exomes below 0.00001; TOPMed below 0.00001; ExAC 0.00001.
gnomAD v4.1: 2 of 1,613,996 alleles (0.00012%); highest among the groups gnomAD compares: Admixed American, 0.0017%; no homozygotes.

Submissions (2):

Women's Health and Genetics/Laboratory Corporation of America, LabCorp
Classification: Pathogenic for Familial aortopathy. Last evaluated: 2026-06-29. Review status: criteria provided, single submitter. Criteria: LabCorp Variant Classification Summary - May 2015. Collection method: clinical testing. Allele origin: germline.
Comment: Variant summary: MYLK c.1640G>A (p.Trp547X) results in a premature termination codon, predicted to cause a truncation of the encoded protein or absence of the protein due to nonsense mediated decay, which are commonly known mechanisms for disease. The variant allele was found at a frequency of 4e-06 in 250622 control chromosomes. To our knowledge, no occurrence of c.1640G>A in individuals affected with MYLK-related conditions and no experimental evidence demonstrating its impact on protein function have been reported. ClinVar contains an entry for this variant (Variation ID: 201122). Based on the evidence outlined above, the variant was classified as pathogenic.

GeneDx
Classification: Uncertain significance. Last evaluated: 2016-07-28. Review status: criteria provided, single submitter. Criteria: GeneDx Variant Classification (06012015). Collection method: clinical testing. Allele origin: germline. Affected: yes.
Comment: The W547X variant in the MYLK gene has not been published as a pathogenic variant, nor has it been reported as a benign variant to our knowledge. The W547X variant was not observed in approximately 6500 individuals of European and African American ancestry in the NHLBI Exome Sequencing Project, indicating it is not a common benign variant in these populations. This variant is predicted to cause loss of normal protein function either through protein truncation or nonsense-mediated mRNA decay. Although a couple of nonsense variants have been reported in the Human Gene Mutation Database in association with autosomal dominant aortic dissection with or without aneurysm (Stenson et al., 2014), loss-of-function has not yet been definitively established as the mechanism of disease for MYLK-related disorders. Therefore, we interpret W547X as a variant of uncertain significance.